The following is an entry in ClinVar:

ClinVar aggregate classification (germline): Pathogenic. Review status: reviewed by expert panel (3 of 4 stars). 2 submissions from 2 submitters: Pathogenic (1). 1 of the submissions does not count toward it. Last evaluated 2016-10-18.

Conditions:
Breast-ovarian cancer, familial, susceptibility to, 1 (BROVCA1). Also called: BRCA1 Hereditary Breast and Ovarian Cancer; OVARIAN CANCER, SUSCEPTIBILITY TO. Identifiers: Orphanet 145, MedGen C2676676, MONDO:0011450, OMIM 604370. Disease mechanism: loss of function.

Submissions (2):

Evidence-based Network for the Interpretation of Germline Mutant Alleles (ENIGMA)
Classification: Pathogenic for Breast-ovarian cancer, familial, susceptibility to, 1. Last evaluated: 2016-10-18. Review status: reviewed by expert panel. Criteria: ENIGMA BRCA1/2 Classification Criteria (2015). Collection method: curation. Allele origin: germline.
Comment: Variant allele predicted to encode a truncated non-functional protein.

Consortium of Investigators of Modifiers of BRCA1/2 (CIMBA), c/o University of Cambridge
Classification: Pathogenic for Breast-ovarian cancer, familial, susceptibility to, 1. Last evaluated: 2015-10-02. Review status: criteria provided, single submitter. Criteria: CIMBA Mutation Classification guidelines May 2016. Collection method: clinical testing. Allele origin: germline. Not counted in ClinVar's aggregate classification.

NM_007294.4(BRCA1):c.93del (p.Lys32fs)

Gene: BRCA1 (BRCA1 DNA repair associated; minus strand). Cytogenetic location: 17q21.31.
Variant type: Deletion.
Coding change: c.93del on transcript NM_007294.4 (MANE Select); coding-DNA position 93, one base deleted (C; older notation c.93delC).
Protein change: p.Lys32fs; shifts the reading frame from lysine 32.
Molecular consequence: frameshift variant. On other transcripts: non-coding transcript variant (1), intron variant (1).
Genome position (GRCh38, 1-based): chr17:43,115,767, G deleted on the plus strand (C on the coding strand, the reverse complement: BRCA1 is on the minus strand). VCF-style (leftmost placement, unchanged base first): chr17-43115766-TG-T. GRCh37 (hg19) VCF-style: chr17-41267783-TG-T.
Other names: 212delC; c.-96delC (NM_001407571.1, NM_001407853.1, NM_001407879.1 and 52 more transcripts); c.93delC, p.Lys32Argfs (NM_001407581.1, NM_001407582.1, NM_001407583.1 and 191 more transcripts); c.-165delC (NM_001407694.1, NM_001407696.1, NM_001407724.1 and 13 more transcripts); c.-169delC (NM_001407695.1, NM_001408465.1); c.-49delC (NM_001407697.1, NM_001407725.1, NM_001407728.1 and 47 more transcripts); c.-45delC (NM_001407841.1); c.-212delC (NM_001407889.1, NM_001407900.1, NM_001408492.1); and 4 more; short protein forms K32fs.
Identifiers: ClinVar variation 266593 (VCV000266593.6), dbSNP rs886040332, ClinGen allele CA10590040.